The following is an entry in ClinVar:

ClinVar aggregate classification (germline): Uncertain significance (1 of 4 stars; one submission).

Conditions:
Hereditary cancer-predisposing syndrome. Also called: Hereditary Cancer Syndrome; Neoplastic Syndromes, Hereditary; Tumor predisposition; Hereditary neoplastic syndrome. Identifiers: Orphanet 140162, MedGen C0027672, MeSH D009386, MONDO:0015356.

Submission:

Ambry Genetics
Classification: Uncertain significance for Hereditary cancer-predisposing syndrome. Last evaluated: 2022-10-07. Review status: criteria provided, single submitter. Criteria: Ambry Variant Classification Scheme 2023. Collection method: clinical testing. Allele origin: germline.
Comment: The p.E1685K variant (also known as c.5053G>A), located in coding exon 15 of the APC gene, results from a G to A substitution at nucleotide position 5053. The glutamic acid at codon 1685 is replaced by lysine, an amino acid with similar properties. This amino acid position is highly conserved in available vertebrate species. In addition, in silico predictors for this gene do not accurately predict pathogenicity. Since supporting evidence is limited at this time, the clinical significance of this alteration remains unclear.

NM_000038.6(APC):c.5053G>A (p.Glu1685Lys)

Gene: APC (APC regulator of Wnt signaling pathway; plus strand). Cytogenetic location: 5q22.2.
Variant type: single nucleotide variant.
Coding change: c.5053G>A on transcript NM_000038.6 (MANE Select); coding-DNA position 5053, G replaced by A.
Protein change: p.Glu1685Lys; replaces glutamic acid 1685 with lysine.
Molecular consequence: missense variant.
Genome position (GRCh38, 1-based): chr5:112,840,647, G>A. VCF-style: chr5-112840647-G-A. GRCh37 (hg19) VCF-style: chr5-112176344-G-A.
Other names: c.4780G>A, p.Glu1594Lys (NM_001354902.2); c.4675G>A, p.Glu1559Lys (NM_001354904.2); c.4573G>A, p.Glu1525Lys (NM_001354905.2); c.4204G>A, p.Glu1402Lys (NM_001354906.2, NM_001407470.1); c.5137G>A, p.Glu1713Lys (NM_001407446.1); c.4750G>A, p.Glu1584Lys (NM_001354903.2, NM_001407458.1, NM_001407459.1 and 1 more transcripts); c.5053G>A, p.Glu1685Lys (NM_001127510.3, NM_001354895.2, NM_001407450.1); c.4999G>A, p.Glu1667Lys (NM_001127511.3); and 11 more; short protein forms E1525K, E1559K, E1594K, E1678K, E1695K, E1402K, E1584K, E1602K.
Identifiers: ClinVar variation 1745054 (VCV001745054.2), dbSNP rs2533617408, ClinGen allele CA16032381.